The following is an entry in ClinVar:

ClinVar aggregate classification (germline): Uncertain significance (1 of 4 stars; one submission).

Conditions:
Hereditary sensory and autonomic neuropathy type 6. Also called: HSAN VI; Neuropathy, hereditary sensory and autonomic, type VI. Identifiers: Orphanet 314381, MedGen C3539003, MONDO:0013839, OMIM 614653.
Epidermolysis bullosa simplex 3, localized or generalized intermediate, with BP230 deficiency (EBS3). Also called: Epidermolysis bullosa simplex, autosomal recessive 2; Epidermolysis bullosa simplex due to BP230 deficiency. Identifiers: Orphanet 412181, MedGen C3809470, MONDO:0014180, OMIM 615425.

gnomAD v4.1: 13 of 1,613,322 alleles (0.00081%); highest among the groups gnomAD compares: Non-Finnish European, 0.001%; no homozygotes.

Submission:

Labcorp Genetics (formerly Invitae), Labcorp
Classification: Uncertain significance for Epidermolysis bullosa simplex 3, localized or generalized intermediate, with BP230 deficiency; Hereditary sensory and autonomic neuropathy type 6. Last evaluated: 2025-10-27. Review status: criteria provided, single submitter. Criteria: Invitae Variant Classification Sherloc (09022015). Collection method: clinical testing. Allele origin: germline.
Comment: The DST gene has multiple clinically relevant transcripts. This variant occurs in alternate transcript NM_015548.4, and corresponds to NM_001723.5:c.*138179G>T in the primary transcript. This sequence change falls in intron 72 of the DST gene. It does not directly change the encoded amino acid sequence of the DST protein. This variant is present in population databases (rs34892827, gnomAD 0.0009%). This variant has not been reported in the literature in individuals affected with DST-related conditions. Experimental studies and prediction algorithms are not available or were not evaluated, and the effect of this variant on mRNA splicing is currently unknown. In summary, the available evidence is currently insufficient to determine the role of this variant in disease. Therefore, it has been classified as a Variant of Uncertain Significance.

NM_001374736.1(DST):c.21675+7G>T

Gene: DST (dystonin; minus strand). Cytogenetic location: 6p12.1.
Variant type: single nucleotide variant.
Coding change: c.21675+7G>T on transcript NM_001374736.1 (MANE Select); 7 bases into the intron after coding-DNA position 21675, G replaced by T.
Molecular consequence: intron variant.
Genome position (GRCh38, 1-based): chr6:56,477,338, C>A on the plus strand (G>T on the coding strand, the complement: DST is on the minus strand). VCF-style: chr6-56477338-C-A. GRCh37 (hg19) VCF-style: chr6-56342136-C-A.
Other names: c.15318+7G>T (NM_001144769.5); c.21675+7G>T (NM_001374722.1); c.21702+7G>T (NM_001374734.1); c.14904+7G>T (NM_001144770.2); c.14457+7G>T (NM_001374730.1); c.14784+7G>T (NM_001386100.1, NM_183380.4); c.20715+7G>T (NM_001374729.1); c.13806+7G>T (NM_015548.5).
Identifiers: ClinVar variation 2929048 (VCV002929048.3), dbSNP rs34892827, ClinGen allele CA3866415.